The following is an entry in ClinVar:

ClinVar aggregate classification (germline): Uncertain significance (1 of 4 stars; one submission).

Conditions:
Fanconi anemia (FA). Also called: Fanconi's anemia. Identifiers: Orphanet 84, MedGen C0015625, MeSH D005199, MONDO:0019391.

Submission:

Labcorp Genetics (formerly Invitae), Labcorp
Classification: Uncertain significance for Fanconi anemia. Last evaluated: 2022-03-07. Review status: criteria provided, single submitter. Criteria: Invitae Variant Classification Sherloc (09022015). Collection method: clinical testing. Allele origin: germline.
Comment: This sequence change replaces arginine, which is basic and polar, with lysine, which is basic and polar, at codon 964 of the FANCI protein (p.Arg964Lys). This variant is not present in population databases (gnomAD no frequency). This variant has not been reported in the literature in individuals affected with FANCI-related conditions. Algorithms developed to predict the effect of missense changes on protein structure and function are either unavailable or do not agree on the potential impact of this missense change (SIFT: "Tolerated"; PolyPhen-2: "Possibly Damaging"; Align-GVGD: "Class C0"). Algorithms developed to predict the effect of sequence changes on RNA splicing suggest that this variant may create or strengthen a splice site. In summary, the available evidence is currently insufficient to determine the role of this variant in disease. Therefore, it has been classified as a Variant of Uncertain Significance.

NM_001113378.2(FANCI):c.2891G>A (p.Arg964Lys)

Gene: FANCI (FA complementation group I; plus strand). Cytogenetic location: 15q26.1.
Variant type: single nucleotide variant.
Coding change: c.2891G>A on transcript NM_001113378.2 (MANE Select); coding-DNA position 2891, G replaced by A.
Protein change: p.Arg964Lys; replaces arginine 964 with lysine.
Molecular consequence: missense variant.
Genome position (GRCh38, 1-based): chr15:89,301,327, G>A. VCF-style: chr15-89301327-G-A. GRCh37 (hg19) VCF-style: chr15-89844558-G-A.
Other names: c.2612G>A, p.Arg871Lys (NM_001376910.1); c.2891G>A, p.Arg964Lys (NM_001376911.1); c.2711G>A, p.Arg904Lys (NM_018193.3); short protein forms R904K, R964K, R871K.
Identifiers: ClinVar variation 1468860 (VCV001468860.5), dbSNP rs2151859007, ClinGen allele CA393737568.